The following is an entry in ClinVar:

NM_001128164.2(ATXN1):c.627T>G (p.His209Gln)

Genes: ATXN1 (ataxin 1; minus strand), LOC108663993 (ataxin 1 repeat instability region; plus strand). Cytogenetic location: 6p22.3.
Variant type: single nucleotide variant.
Coding change: c.627T>G on transcript NM_001128164.2 (MANE Select); coding-DNA position 627, T replaced by G.
Protein change: p.His209Gln; replaces histidine 209 with glutamine.
Molecular consequence: missense variant. On other transcripts: 3 prime UTR variant (1).
Genome position (GRCh38, 1-based): chr6:16,327,684, A>C on the plus strand (T>G on the coding strand, the complement: ATXN1 is on the minus strand). VCF-style: chr6-16327684-A-C. GRCh37 (hg19) VCF-style: chr6-16327915-A-C.
Other names: c.627T>G (NM_000332.3); c.627T>G, p.His209Gln (NM_000332.4); c.*40T>G (NM_001357857.2); short protein forms H209Q.
Identifiers: ClinVar variation 1050673 (VCV001050673.6), dbSNP rs11969612, ClinGen allele CA134932924.
Genomic context (GRCh38, chr6:16,327,684, plus strand): 5'-CCTGCTGAGGTGCTGCTGCTGCTGCTGCTGCTGCTGCTGCTGCTGCTGCTGCTGATGCTG[A>C]TGCTGCTGCTGCTGCTGCTGCTGCTGCTGCTGCTGCTGCTCAGCCTTGTGTCCCGGCGTC-3'
Protein context (NP_001121636.1, residues 199-219): QQQQQQQQQQ[His209Gln]QHQQQQQQQQ

ClinVar aggregate classification (germline): Likely benign. Review status: criteria provided, multiple submitters, no conflicts (2 of 4 stars). 4 submissions from 4 submitters: Likely benign (2). 2 of the submissions do not count toward it. Last evaluated 2025-02-16.

Conditions:
ATXN1-related disorder. Also called: ATXN1-related condition.

Allele frequency attached by ClinVar (database versions not stated): gnomAD 0.05921 and 0.06192.

Submissions (4):

Laboratory of Genetics, Children's Clinical University Hospital Latvia
Classification: Likely benign. Last evaluated: 2025-02-16. Review status: criteria provided, single submitter. Criteria: ACMG Guidelines, 2015. Collection method: clinical testing. Allele origin: germline. Affected: yes.

Blueprint Genetics
Classification: Likely benign. Last evaluated: 2024-11-26. Review status: criteria provided, single submitter. Criteria: ACMG Guidelines, 2015. Collection method: clinical testing. Allele origin: germline.

PreventionGenetics, part of Exact Sciences
Classification: Likely benign for ATXN1-related condition. Last evaluated: 2020-10-16. Review status: no assertion criteria provided. Collection method: clinical testing. Allele origin: germline. Not counted in ClinVar's aggregate classification.
Comment: This variant is classified as likely benign based on ACMG/AMP sequence variant interpretation guidelines (Richards et al. 2015 PMID: 25741868, with internal and published modifications).

Department of Pathology and Laboratory Medicine, Sinai Health System
Classification: Uncertain significance. Review status: no assertion criteria provided. Collection method: clinical testing. Allele origin: unknown. Affected: yes. Study: The Canadian Open Genetics Repository (COGR). Not counted in ClinVar's aggregate classification.